The following is an entry in ClinVar:

ClinVar aggregate classification (germline): Uncertain significance (1 of 4 stars; one submission).

Conditions:
Inborn genetic diseases. Identifiers: MedGen C0950123, MeSH D030342.

Submission:

Ambry Genetics
Classification: Uncertain significance for Inborn genetic diseases. Last evaluated: 2024-12-06. Review status: criteria provided, single submitter. Criteria: Ambry Variant Classification Scheme 2023. Collection method: clinical testing. Allele origin: germline.
Comment: The p.M872L variant (also known as c.2614A>C), located in coding exon 20 of the BUB1B gene, results from an A to C substitution at nucleotide position 2614. The methionine at codon 872 is replaced by leucine, an amino acid with highly similar properties. This amino acid position is conserved. In addition, this alteration is predicted to be tolerated by in silico analysis. Based on the available evidence, the clinical significance of this variant remains unclear.

NM_001211.6(BUB1B):c.2614A>C (p.Met872Leu)

Gene: BUB1B (BUB1 mitotic checkpoint serine/threonine kinase B; plus strand). Cytogenetic location: 15q15.1.
Variant type: single nucleotide variant.
Coding change: c.2614A>C on transcript NM_001211.6 (MANE Select); coding-DNA position 2614, A replaced by C.
Protein change: p.Met872Leu; replaces methionine 872 with leucine.
Molecular consequence: missense variant.
Genome position (GRCh38, 1-based): chr15:40,213,410, A>C. VCF-style: chr15-40213410-A-C. GRCh37 (hg19) VCF-style: chr15-40505611-A-C.
Other names: short protein forms M872L.
Identifiers: ClinVar variation 3483252 (VCV003483252.1).